The following is an entry in ClinVar:

NM_144773.4(PROKR2):c.991G>A (p.Val331Met)

Gene: PROKR2 (prokineticin receptor 2; minus strand). Cytogenetic location: 20p12.3.
Variant type: single nucleotide variant.
Coding change: c.991G>A on transcript NM_144773.4 (MANE Select); coding-DNA position 991, G replaced by A.
Protein change: p.Val331Met; replaces valine 331 with methionine.
Molecular consequence: missense variant.
Genome position (GRCh38, 1-based): chr20:5,302,204, C>T on the plus strand (G>A on the coding strand, the complement: PROKR2 is on the minus strand). VCF-style: chr20-5302204-C-T. GRCh37 (hg19) VCF-style: chr20-5282850-C-T.
Other names: short protein forms V331M.
Identifiers: ClinVar variation 338854 (VCV000338854.41), dbSNP rs117106081, ClinGen allele CA9754228.

ClinVar aggregate classification (germline): Benign/Likely benign. Review status: criteria provided, multiple submitters, no conflicts (2 of 4 stars). 7 submissions from 7 submitters: Benign (4); Likely benign (3). Last evaluated 2026-05-12.

Conditions:
Hypogonadotropic hypogonadism 3 with or without anosmia (HH3). Also called: PROKR2-Related GnRH Deficiency (Kallmann Syndrome 3); HYPOGONADOTROPIC HYPOGONADISM 3 WITH ANOSMIA. Identifiers: Orphanet 478, MedGen C3550478, MONDO:0009482, OMIM 244200.

Allele frequency attached by ClinVar (database versions not stated): ESP Exome Variant Server 0.00015; gnomAD 0.00088 and 0.00223; TOPMed 0.00198; gnomAD exomes 0.00261 and 0.00620; ExAC 0.00652; 1000 Genomes Project 30x 0.01109; 1000 Genomes Project 0.01218.

Submissions (7):

Women's Health and Genetics/Laboratory Corporation of America, LabCorp
Classification: Likely benign. Last evaluated: 2026-05-12. Review status: criteria provided, single submitter. Criteria: LabCorp Variant Classification Summary - May 2015. Collection method: clinical testing. Allele origin: germline.

Labcorp Genetics (formerly Invitae), Labcorp
Classification: Benign. Last evaluated: 2026-01-24. Review status: criteria provided, single submitter. Criteria: Invitae Variant Classification Sherloc (09022015). Collection method: clinical testing. Allele origin: germline.

CeGaT Center for Human Genetics Tuebingen
Classification: Benign. Last evaluated: 2025-09-01. Review status: criteria provided, single submitter. Criteria: CeGaT Center For Human Genetics Tuebingen Variant Classification Criteria Version 2. Collection method: clinical testing. Allele origin: germline. Affected: yes. Observed: 2 variant alleles.
Comment: PROKR2: BP4, BS1, BS2

Illumina Laboratory Services, Illumina
Classification: Benign for Hypogonadotropic hypogonadism 3 with or without anosmia. Last evaluated: 2018-03-06. Review status: criteria provided, single submitter. Criteria: ICSL Variant Classification Criteria 13 December 2019. Collection method: clinical testing. Allele origin: germline.
Comment: This variant was observed in the ICSL laboratory as part of a predisposition screen in an ostensibly healthy population. It had not been previously curated by ICSL or reported in the Human Gene Mutation Database (HGMD: prior to June 1st, 2018), and was therefore a candidate for classification through an automated scoring system. Utilizing variant allele frequency, disease prevalence and penetrance estimates, and inheritance mode, an automated score was calculated to assess if this variant is too frequent to cause the disease. Based on the score and internal cut-off values, a variant classified as benign is not then subjected to further curation. The score for this variant resulted in a classification of benign for this disease.

GeneDx
Classification: Benign. Last evaluated: 2016-04-20. Review status: criteria provided, single submitter. Criteria: GeneDx Variant Classification (06012015). Collection method: clinical testing. Allele origin: germline. Affected: yes.
Comment: This variant is considered likely benign or benign based on one or more of the following criteria: it is a conservative change, it occurs at a poorly conserved position in the protein, it is predicted to be benign by multiple in silico algorithms, and/or has population frequency not consistent with disease.

Breakthrough Genomics
Classification: Likely benign. Review status: criteria provided, single submitter. Criteria: ACMG Guidelines, 2015. Collection method: not provided. Allele origin: germline. Inheritance: Autosomal dominant inheritance. Affected: yes.

Genetic Testing Center for Deafness, Department of Otolaryngology Head & Neck Surgery, Institute of Otolaryngology, Chinese PLA General Hospital
Classification: Likely benign for Hypogonadotropic hypogonadism 3 with or without anosmia. Review status: criteria provided, single submitter. Criteria: ClinGen HL ACMG Specifications v1. Collection method: case-control. Allele origin: paternal. Affected: no. Observed: 2 variant alleles.